The following is an entry in ClinVar:

NM_024426.6(WT1):c.1265-3A>G

Gene: WT1 (WT1 transcription factor; minus strand). Cytogenetic location: 11p13.
Variant type: single nucleotide variant.
Coding change: c.1265-3A>G on transcript NM_024426.6 (MANE Select); 3 bases into the intron before coding-DNA position 1265, A replaced by G.
Molecular consequence: intron variant.
Genome position (GRCh38, 1-based): chr11:32,392,758, T>C on the plus strand (A>G on the coding strand, the complement: WT1 is on the minus strand). VCF-style: chr11-32392758-T-C. GRCh37 (hg19) VCF-style: chr11-32414304-T-C.
Other names: c.1091-3A>G (NM_001407050.1); c.1142-3A>G (NM_001407047.1); c.1214-694A>G (NM_001407048.1); c.1214-3A>G (NM_001407049.1, NM_000378.6, NM_001407045.1); c.1259-3A>G (NM_001407044.1); c.1265-3A>G (NM_001407046.1, NM_024424.5); c.995-3A>G (NM_001429034.1, NM_001429033.1); c.1046-3A>G (NM_001429032.1, NM_001429031.1); and 4 more.
Identifiers: ClinVar variation 4827527 (VCV004827527.1).
Genomic context (GRCh38, chr11:32,392,758, plus strand): 5'-TCTGAACGAGAAAACCTTCGTTCACAGTCCTTGAAGTCACACTGGTATGGTTTCTCACCT[T>C]GGGGAAGACACATATTCTATTTGAAAATGATACTGGAAAAGGGGATCTCATTAAAGGCAA-3'

ClinVar aggregate classification (germline): Uncertain significance (1 of 4 stars; one submission).

Conditions:
Inborn genetic diseases. Identifiers: MedGen C0950123, MeSH D030342.

Submission:

Ambry Genetics
Classification: Uncertain significance for Inborn genetic diseases. Last evaluated: 2026-03-09. Review status: criteria provided, single submitter. Criteria: Ambry Variant Classification Scheme 2023. Collection method: clinical testing. Allele origin: germline.
Comment: The c.1250-3A>G intronic variant results from an A to G substitution 3 nucleotides upstream from coding exon 8 in the WT1 gene. This nucleotide position is well conserved in available vertebrate species. In silico splice site analysis for this alteration is inconclusive. Based on the available evidence, the clinical significance of this variant remains unclear.